The following is an entry in ClinVar:

ClinVar aggregate classification (germline): Uncertain significance (1 of 4 stars; one submission).

Conditions:
Inborn genetic diseases. Identifiers: MedGen C0950123, MeSH D030342.

Submission:

Ambry Genetics
Classification: Uncertain significance for Inborn genetic diseases. Last evaluated: 2025-06-14. Review status: criteria provided, single submitter. Criteria: Ambry Variant Classification Scheme 2023. Collection method: clinical testing. Allele origin: germline.
Comment: The p.A41P variant (also known as c.121G>C), located in coding exon 1 of the WT1 gene, results from a G to C substitution at nucleotide position 121. The alanine at codon 41 is replaced by proline, an amino acid with highly similar properties. This amino acid position is conserved. In addition, this alteration is predicted to be tolerated by in silico analysis. Based on the available evidence, the clinical significance of this variant remains unclear.

NM_024426.6(WT1):c.136G>C (p.Ala46Pro)

Genes: WT1 (WT1 transcription factor; minus strand), LOC107982234 (WT1/WT1-AS bi-directional promoter region; plus strand). Cytogenetic location: 11p13.
Variant type: single nucleotide variant.
Coding change: c.136G>C on transcript NM_024426.6 (MANE Select); coding-DNA position 136, G replaced by C.
Protein change: p.Ala46Pro; replaces alanine 46 with proline.
Molecular consequence: missense variant. On other transcripts: 5 prime UTR variant (4), non-coding transcript variant (2).
Genome position (GRCh38, 1-based): chr11:32,435,225, C>G on the plus strand (G>C on the coding strand, the complement: WT1 is on the minus strand). VCF-style: chr11-32435225-C-G. GRCh37 (hg19) VCF-style: chr11-32456771-C-G.
Other names: c.136G>C, p.Ala46Pro (NM_000378.6, NM_001407044.1, NM_001407045.1 and 6 more transcripts); c.-84G>C (NM_001429031.1, NM_001429032.1, NM_001429033.1 and 1 more transcripts); short protein forms A41P, A46P.
Identifiers: ClinVar variation 3982489 (VCV003982489.1).